The following is an entry in ClinVar:

ClinVar aggregate classification (germline): Likely benign (0 of 4 stars; one submission).

Conditions:
LYRM4-related disorder. Also called: LYRM4-related condition.

Submission:

PreventionGenetics, part of Exact Sciences
Classification: Likely benign for LYRM4-related condition. Last evaluated: 2020-12-02. Review status: no assertion criteria provided. Collection method: clinical testing. Allele origin: germline.
Comment: This variant is classified as likely benign based on ACMG/AMP sequence variant interpretation guidelines (Richards et al. 2015 PMID: 25741868, with internal and published modifications).

NM_020408.6(LYRM4):c.207+29632_207+29634dup

Genes: LYRM4 (LYR motif containing 4; minus strand), LYRM4-AS1 (LYRM4 antisense RNA 1; plus strand). Cytogenetic location: 6p25.1.
Variant type: Duplication.
Coding change: c.207+29632_207+29634dup on transcript NM_020408.6 (MANE Select); bases 29632 to 29634 of the intron after coding-DNA position 207, 3 bases duplicated (TTT; older notation c.207+29632_207+29634dupTTT).
Molecular consequence: intron variant.
Genome position (GRCh38, 1-based): chr6:5,186,984-5,186,986, AAA duplicated on the plus strand (TTT on the coding strand, the reverse complement: LYRM4 is on the minus strand); duplicating any 3 consecutive bases within chr6:5,186,984-5,186,998 gives the same sequence; the c. name uses the placement nearest the transcript's 3' end. VCF-style (leftmost placement, unchanged base first): chr6-5186983-T-TAAA. GRCh37 (hg19) VCF-style: chr6-5187217-T-TAAA.
Other names: c.207+29632_207+29634dup (NM_001318783.1, NM_001164841.3, NM_001318782.1); c.208-6_208-4dup (NM_001164840.3).
Identifiers: ClinVar variation 3042816 (VCV003042816.2), dbSNP rs34616988, ClinGen allele CA1085564216.